The following is an entry in ClinVar:

NM_024700.4(SNIP1):c.1175A>T (p.Glu392Val)

Gene: SNIP1 (Smad nuclear interacting protein 1; minus strand). Cytogenetic location: 1p34.3.
Variant type: single nucleotide variant.
Coding change: c.1175A>T on transcript NM_024700.4 (MANE Select); coding-DNA position 1175, A replaced by T.
Protein change: p.Glu392Val; replaces glutamic acid 392 with valine.
Molecular consequence: missense variant.
Genome position (GRCh38, 1-based): chr1:37,537,764, T>A on the plus strand (A>T on the coding strand, the complement: SNIP1 is on the minus strand). VCF-style: chr1-37537764-T-A. GRCh37 (hg19) VCF-style: chr1-38003365-T-A.
Other names: short protein forms E392V.
Identifiers: ClinVar variation 3704817 (VCV003704817.2).

ClinVar aggregate classification (germline): Uncertain significance (1 of 4 stars; one submission).

gnomAD v4.1: 35 of 1,613,386 alleles (0.0022%); highest among the groups gnomAD compares: Non-Finnish European, 0.0026%; no homozygotes.

Submission:

Labcorp Genetics (formerly Invitae), Labcorp
Classification: Uncertain significance. Last evaluated: 2024-12-19. Review status: criteria provided, single submitter. Criteria: Invitae Variant Classification Sherloc (09022015). Collection method: clinical testing. Allele origin: germline.
Comment: This sequence change replaces glutamic acid, which is acidic and polar, with valine, which is neutral and non-polar, at codon 392 of the SNIP1 protein (p.Glu392Val). This variant is present in population databases (no rsID available, gnomAD 0.002%). This variant has not been reported in the literature in individuals affected with SNIP1-related conditions. An algorithm developed to predict the effect of missense changes on protein structure and function outputs the following: PolyPhen-2: "Benign". The valine amino acid residue is found in multiple mammalian species, which suggests that this missense change does not adversely affect protein function. In summary, the available evidence is currently insufficient to determine the role of this variant in disease. Therefore, it has been classified as a Variant of Uncertain Significance.